The following is an entry in ClinVar:

NM_005591.4(MRE11):c.217C>G (p.His73Asp)

Gene: MRE11 (MRE11 double strand break repair nuclease; minus strand). Cytogenetic location: 11q21.
Variant type: single nucleotide variant.
Coding change: c.217C>G on transcript NM_005591.4 (MANE Select); coding-DNA position 217, C replaced by G.
Protein change: p.His73Asp; replaces histidine 73 with aspartic acid.
Molecular consequence: missense variant.
Genome position (GRCh38, 1-based): chr11:94,486,021, G>C on the plus strand (C>G on the coding strand, the complement: MRE11 is on the minus strand). VCF-style: chr11-94486021-G-C. GRCh37 (hg19) VCF-style: chr11-94219187-G-C.
Other names: c.217C>G, p.His73Asp (NM_001330347.2, NM_005590.4); short protein forms H73D.
Identifiers: ClinVar variation 3397855 (VCV003397855.1).

ClinVar aggregate classification (germline): Uncertain significance (1 of 4 stars; one submission).

Conditions:
Hereditary cancer-predisposing syndrome. Also called: Hereditary Cancer Syndrome; Tumor predisposition; Hereditary neoplastic syndrome; Neoplastic Syndromes, Hereditary. Identifiers: Orphanet 140162, MedGen C0027672, MeSH D009386, MONDO:0015356.

Submission:

Ambry Genetics
Classification: Uncertain significance for Hereditary cancer-predisposing syndrome. Last evaluated: 2024-08-30. Review status: criteria provided, single submitter. Criteria: Ambry Variant Classification Scheme 2023. Collection method: clinical testing. Allele origin: germline.
Comment: The p.H73D variant (also known as c.217C>G), located in coding exon 3 of the MRE11A gene, results from a C to G substitution at nucleotide position 217. The histidine at codon 73 is replaced by aspartic acid, an amino acid with similar properties. This amino acid position is conserved. In addition, this alteration is predicted to be deleterious by in silico analysis. Based on the available evidence, the clinical significance of this variant remains unclear.